The following is an entry in ClinVar:

ClinVar aggregate classification (germline): Uncertain significance (1 of 4 stars; one submission).

Conditions:
Infantile GM1 gangliosidosis. Also called: GM1-gangliosidosis, type I; Gangliosidosis, generalized GM1, infantile form; GLB1 deficiency; GM1 gangliosidosis type 1; Gangliosidosis, Generalized GM1, Type 1. Identifiers: Orphanet 354, Orphanet 79255, MedGen C0268271, MONDO:0009260, OMIM 230500.

Allele frequency attached by ClinVar (database versions not stated): gnomAD exomes below 0.00001.
gnomAD v4.1: 3 of 1,614,214 alleles (0.00019%); highest among the groups gnomAD compares: South Asian, 0.0022%; no homozygotes.

Submission:

Neuberg Centre For Genomic Medicine, NCGM
Classification: Uncertain significance for Infantile GM1 gangliosidosis. Review status: criteria provided, single submitter. Criteria: ACMG Guidelines, 2015. Collection method: clinical testing. Allele origin: germline. Inheritance: Autosomal recessive inheritance. Affected: yes.
Comment: The missense variant in c.739A>G(p.Asn247Asp) in GLB1 gene has not been reported previously as a pathogenic variant nor as a benign variant, to our knowledge. This variant has not been reported to the ClinVar database. The p.Asn247Asp variant is novel (not in any individuals) in gnomAD Exomes and 1000 Genomes. The amino acid Asn at position 247 is changed to a Asp changing protein sequence and it might alter its composition and physico-chemical properties. The amino acid change p.Asn247Asp in GLB1 is predicted as conserved by GERP++ and PhyloP across 100 vertebrates. For these reasons, this variant has been classified as Uncertain Significance (VUS).

NM_000404.4(GLB1):c.739A>G (p.Asn247Asp)

Gene: GLB1 (galactosidase beta 1; minus strand). Cytogenetic location: 3p22.3.
Variant type: single nucleotide variant.
Coding change: c.739A>G on transcript NM_000404.4 (MANE Select); coding-DNA position 739, A replaced by G.
Protein change: p.Asn247Asp; replaces asparagine 247 with aspartic acid.
Molecular consequence: missense variant.
Genome position (GRCh38, 1-based): chr3:33,053,544, T>C on the plus strand (A>G on the coding strand, the complement: GLB1 is on the minus strand). VCF-style: chr3-33053544-T-C. GRCh37 (hg19) VCF-style: chr3-33095036-T-C.
Other names: c.649A>G, p.Asn217Asp (NM_001079811.3); c.346A>G, p.Asn116Asp (NM_001135602.3); c.883A>G, p.Asn295Asp (NM_001317040.2); c.739A>G, p.Asn247Asp (NM_001393580.1); short protein forms N247D, N295D, N116D, N217D.
Identifiers: ClinVar variation 2585573 (VCV002585573.1), dbSNP rs2471380584, ClinGen allele CA352002920.